The following is an entry in ClinVar:

NM_001348716.2(KDM6B):c.765A>C (p.Pro255=)

Gene: KDM6B (lysine demethylase 6B; plus strand). Cytogenetic location: 17p13.1.
Variant type: single nucleotide variant.
Coding change: c.765A>C on transcript NM_001348716.2 (MANE Select); coding-DNA position 765, A replaced by C.
Protein change: p.Pro255=; no amino-acid change (proline 255 retained).
Molecular consequence: synonymous variant.
Genome position (GRCh38, 1-based): chr17:7,846,872, A>C. VCF-style: chr17-7846872-A-C. GRCh37 (hg19) VCF-style: chr17-7750190-A-C.
Other names: c.765A>C, p.Pro255= (NM_001080424.2).
Identifiers: ClinVar variation 3771069 (VCV003771069.14).

ClinVar aggregate classification (germline): Likely benign. Review status: criteria provided, multiple submitters, no conflicts (2 of 4 stars). 2 submissions from 2 submitters: Likely benign (2). Last evaluated 2025-01-01.

Submissions (2):

CeGaT Center for Human Genetics Tuebingen
Classification: Likely benign. Last evaluated: 2025-01-01. Review status: criteria provided, single submitter. Criteria: CeGaT Center For Human Genetics Tuebingen Variant Classification Criteria Version 2. Collection method: clinical testing. Allele origin: germline. Affected: yes. Observed: 1 variant allele.
Comment: KDM6B: BP4, BP7

Blueprint Genetics
Classification: Likely benign. Last evaluated: 2024-11-27. Review status: criteria provided, single submitter. Criteria: ACMG Guidelines, 2015. Collection method: clinical testing. Allele origin: germline.